The following is an entry in ClinVar:

NM_005045.4(RELN):c.3086T>C (p.Ile1029Thr)

Gene: RELN (reelin; minus strand). Cytogenetic location: 7q22.1.
Variant type: single nucleotide variant.
Coding change: c.3086T>C on transcript NM_005045.4 (MANE Select); coding-DNA position 3086, T replaced by C.
Protein change: p.Ile1029Thr; replaces isoleucine 1029 with threonine.
Molecular consequence: missense variant.
Genome position (GRCh38, 1-based): chr7:103,604,406, A>G on the plus strand (T>C on the coding strand, the complement: RELN is on the minus strand). VCF-style: chr7-103604406-A-G. GRCh37 (hg19) VCF-style: chr7-103244853-A-G.
Other names: c.3086T>C, p.Ile1029Thr (NM_173054.3); short protein forms I1029T.
Identifiers: ClinVar variation 358408 (VCV000358408.55), dbSNP rs757915171, ClinGen allele CA4421856.

ClinVar aggregate classification (germline): Conflicting classifications of pathogenicity. Review status: criteria provided, conflicting classifications (1 of 4 stars). 6 submissions from 6 submitters: Uncertain significance (5); Likely benign (1). Last evaluated 2025-09-20.

Conditions:
Norman-Roberts syndrome (LIS2). Also called: Lissencephaly 2 (Norman-Roberts type). Identifiers: Orphanet 89844, MedGen C0796089, MONDO:0009760, OMIM 257320.
Familial temporal lobe epilepsy 7. Identifiers: Orphanet 101046, MedGen C4225327, MONDO:0014639, OMIM 616436.
Inborn genetic diseases. Identifiers: MedGen C0950123, MeSH D030342.

Allele frequency attached by ClinVar (database versions not stated): gnomAD exomes 0.00002; ExAC 0.00003; gnomAD 0.00005; TOPMed 0.00005.
gnomAD v4.1: 81 of 1,613,872 alleles (0.005%); highest among the groups gnomAD compares: African/African-American, 0.008%; no homozygotes.

Submissions (6):

Labcorp Genetics (formerly Invitae), Labcorp
Classification: Likely benign for Familial temporal lobe epilepsy 7; Norman-Roberts syndrome. Last evaluated: 2025-09-20. Review status: criteria provided, single submitter. Criteria: Invitae Variant Classification Sherloc (09022015). Collection method: clinical testing. Allele origin: germline.

Ambry Genetics
Classification: Uncertain significance for Inborn genetic diseases. Last evaluated: 2024-02-26. Review status: criteria provided, single submitter. Criteria: Ambry Variant Classification Scheme 2023. Collection method: clinical testing. Allele origin: germline.

New York Genome Center
Classification: Uncertain significance for Familial temporal lobe epilepsy 7; Norman-Roberts syndrome. Last evaluated: 2023-07-31. Review status: criteria provided, single submitter. Criteria: NYGC Assertion Criteria 2020. Collection method: clinical testing. Allele origin: inherited. Observed: 1 heterozygote.

GeneDx
Classification: Uncertain significance. Last evaluated: 2022-04-19. Review status: criteria provided, single submitter. Criteria: GeneDx Variant Classification Process June 2021. Collection method: clinical testing. Allele origin: germline. Affected: yes.
Comment: Not observed at significant frequency in large population cohorts (gnomAD); In silico analysis supports that this missense variant does not alter protein structure/function; Has not been previously published as pathogenic or benign to our knowledge

CeGaT Center for Human Genetics Tuebingen
Classification: Uncertain significance. Last evaluated: 2019-09-01. Review status: criteria provided, single submitter. Criteria: CeGaT Center For Human Genetics Tuebingen Variant Classification Criteria Version 2. Collection method: clinical testing. Allele origin: germline. Affected: yes. Observed: 1 variant allele.

Illumina Laboratory Services, Illumina
Classification: Uncertain significance for Norman-Roberts syndrome. Last evaluated: 2018-01-12. Review status: criteria provided, single submitter. Criteria: ICSL Variant Classification Criteria 13 December 2019. Collection method: clinical testing. Allele origin: germline.